The following is an entry in ClinVar:

NM_174936.4(PCSK9):c.667T>C (p.Cys223Arg)

Gene: PCSK9 (proprotein convertase subtilisin/kexin type 9; plus strand). Cytogenetic location: 1p32.3.
Variant type: single nucleotide variant.
Coding change: c.667T>C on transcript NM_174936.4 (MANE Select); coding-DNA position 667, T replaced by C.
Protein change: p.Cys223Arg; replaces cysteine 223 with arginine.
Molecular consequence: missense variant.
Genome position (GRCh38, 1-based): chr1:55,052,659, T>C. VCF-style: chr1-55052659-T-C. GRCh37 (hg19) VCF-style: chr1-55518332-T-C.
Other names: c.790T>C, p.Cys264Arg (NM_001407240.1); c.667T>C, p.Cys223Arg (NM_001407241.1, NM_001407244.1, NM_001407247.1); c.670T>C, p.Cys224Arg (NM_001407242.1); c.610T>C, p.Cys204Arg (NM_001407243.1); c.475T>C, p.Cys159Arg (NM_001407245.1); c.292T>C, p.Cys98Arg (NM_001407246.1); short protein forms C223R, C264R, C98R, C204R, C159R, C224R.
Identifiers: ClinVar variation 920803 (VCV000920803.5), dbSNP rs1644684082, ClinGen allele CA340473769.

ClinVar aggregate classification (germline): Uncertain significance (1 of 4 stars; one submission).

Conditions:
Familial hypercholesterolemia. Also called: Familial hypercholesterolaemia. Identifiers: MedGen C0020445, MONDO:0005439.

Submission:

Color Diagnostics, LLC DBA Color Health
Classification: Uncertain significance for Familial hypercholesterolemia. Last evaluated: 2024-03-06. Review status: criteria provided, single submitter. Criteria: ACMG Guidelines, 2015. Collection method: clinical testing. Allele origin: germline.
Comment: This missense variant replaces cysteine with arginine at codon 223 of the PCSK9 protein. Computational prediction suggests that this variant may have deleterious impact on protein structure and function (internally defined REVEL score threshold >= 0.7, PMID: 27666373). Splice site prediction tools suggest that this variant may not impact RNA splicing. To our knowledge, functional studies have not been performed for this variant. This variant has not been reported in individuals affected with familial hypercholesterolemia in the literature. This variant has not been identified in the general population by the Genome Aggregation Database (gnomAD). The available evidence is insufficient to determine the role of this variant in disease conclusively. Therefore, this variant is classified as a Variant of Uncertain Significance.